The following is an entry in ClinVar:

NM_001105206.3(LAMA4):c.1669-16_1669-2del

Gene: LAMA4 (laminin subunit alpha 4; minus strand). Cytogenetic location: 6q21.
Variant type: Deletion.
Coding change: c.1669-16_1669-2del on transcript NM_001105206.3 (MANE Select); 16 bases into the intron before coding-DNA position 1669 through the canonical splice acceptor site of the intron before coding-DNA position 1669, 15 bases deleted (AAATTTTTTTCTTTA).
Molecular consequence: splice acceptor variant.
Genome position (GRCh38, 1-based): chr6:112,158,882-112,158,896, TAAAGAAAAAAATTT deleted on the plus strand (AAATTTTTTTCTTTA on the coding strand, the reverse complement: LAMA4 is on the minus strand); deleting any 15 consecutive bases within chr6:112,158,882-112,158,899 gives the same sequence; the c. name uses the placement nearest the transcript's 3' end. VCF-style (leftmost placement, unchanged base first): chr6-112158881-CTAAAGAAAAAAATTT-C. GRCh37 (hg19) VCF-style: chr6-112480083-CTAAAGAAAAAAATTT-C.
Other names: c.1648-16_1648-2del (NM_002290.5, NM_001105207.3).
Identifiers: ClinVar variation 1777179 (VCV001777179.3), dbSNP rs2547074597, ClinGen allele CA2580074790.
Genomic context (GRCh38, chr6:112,158,881, plus strand): 5'-TAGTTTTACTTGTAGTTCACTTTTGGCTCCATCTATTTCTGCATAAATCCCTGACGCATT[CTAAAGAAAAAAATTT>C]TAATAAATACATTGAATTTAGAAGAACTTAAAACATTTTTCCTAGGCACCAAAAGATAAT-3'

ClinVar aggregate classification (germline): Uncertain significance (1 of 4 stars; one submission).

Conditions:
Cardiovascular phenotype. Identifiers: MedGen CN230736.

Submission:

Ambry Genetics
Classification: Uncertain significance for Cardiovascular phenotype. Last evaluated: 2026-08-27. Review status: criteria provided, single submitter. Criteria: Ambry Variant Classification Scheme 2023. Collection method: clinical testing. Allele origin: germline.
Comment: The c.1648-16_1648-2del15 intronic variant, located in intron 12 of the LAMA4 gene, results from a deletion of 15 nucleotides within intron 12 of the LAMA4 gene. These nucleotide positions are well conserved in available vertebrate species. In silico splice site analysis predicts that this alteration will weaken the native splice donor site. The evidence for this gene-disease relationship is limited; therefore, the clinical significance of this variant is unclear.